The following is an entry in ClinVar:

NM_001378454.1(ALMS1):c.2436A>G (p.Ser812=)

Gene: ALMS1 (ALMS1 centrosome and basal body associated protein; plus strand). Cytogenetic location: 2p13.1.
Variant type: single nucleotide variant.
Coding change: c.2436A>G on transcript NM_001378454.1 (MANE Select); coding-DNA position 2436, A replaced by G.
Protein change: p.Ser812=; no amino-acid change (serine 812 retained).
Molecular consequence: synonymous variant.
Genome position (GRCh38, 1-based): chr2:73,448,963, A>G. VCF-style: chr2-73448963-A-G. GRCh37 (hg19) VCF-style: chr2-73676090-A-G.
Other names: c.2439A>G, p.Ser813= (NM_015120.4).
Identifiers: ClinVar variation 391551 (VCV000391551.6), dbSNP rs925267503, ClinGen allele CA16604368.

ClinVar aggregate classification (germline): Likely benign. Review status: criteria provided, multiple submitters, no conflicts (2 of 4 stars). 3 submissions from 3 submitters: Likely benign (3). Last evaluated 2025-08-09.

Conditions:
Cardiovascular phenotype. Identifiers: MedGen CN230736.
Alstrom syndrome (ALMS). Identifiers: Orphanet 64, MedGen C0268425, MONDO:0008763, OMIM 203800.

Submissions (3):

Ambry Genetics
Classification: Likely benign for Cardiovascular phenotype. Last evaluated: 2025-08-09. Review status: criteria provided, single submitter. Criteria: Ambry Variant Classification Scheme 2023. Collection method: clinical testing. Allele origin: germline.

Labcorp Genetics (formerly Invitae), Labcorp
Classification: Likely benign for Alstrom syndrome. Last evaluated: 2023-10-03. Review status: criteria provided, single submitter. Criteria: Invitae Variant Classification Sherloc (09022015). Collection method: clinical testing. Allele origin: germline.

GeneDx
Classification: Likely benign. Last evaluated: 2016-12-09. Review status: criteria provided, single submitter. Criteria: GeneDx Variant Classification (06012015). Collection method: clinical testing. Allele origin: germline. Affected: yes.
Comment: This variant is considered likely benign or benign based on one or more of the following criteria: it is a conservative change, it occurs at a poorly conserved position in the protein, it is predicted to be benign by multiple in silico algorithms, and/or has population frequency not consistent with disease.